The following is an entry in ClinVar:

ClinVar aggregate classification (germline): Uncertain significance (1 of 4 stars; one submission).

Conditions:
Epidermodysplasia verruciformis. Identifiers: Orphanet 302, MedGen C0014522, MONDO:0009176.

Allele frequency attached by ClinVar (database versions not stated): ExAC 0.00001; gnomAD 0.00001; ESP Exome Variant Server 0.00008.
gnomAD v4.1: 15 of 1,612,446 alleles (0.00093%); highest among the groups gnomAD compares: Non-Finnish European, 0.0012%; no homozygotes.

Submission:

Labcorp Genetics (formerly Invitae), Labcorp
Classification: Uncertain significance for Epidermodysplasia verruciformis. Last evaluated: 2021-08-31. Review status: criteria provided, single submitter. Criteria: Invitae Variant Classification Sherloc (09022015). Collection method: clinical testing. Allele origin: germline.
Comment: This variant is present in population databases (rs368245596, ExAC 0.002%). This variant has not been reported in the literature in individuals affected with TMC6-related conditions. Algorithms developed to predict the effect of missense changes on protein structure and function are either unavailable or do not agree on the potential impact of this missense change (SIFT: "Not Available"; PolyPhen-2: "Benign"; Align-GVGD: "Not Available"). In summary, the available evidence is currently insufficient to determine the role of this variant in disease. Therefore, it has been classified as a Variant of Uncertain Significance. This sequence change replaces alanine with threonine at codon 486 of the TMC6 protein (p.Ala486Thr). The alanine residue is weakly conserved and there is a small physicochemical difference between alanine and threonine.

NM_001127198.5(TMC6):c.1456G>A (p.Ala486Thr)

Gene: TMC6 (transmembrane channel like 6; minus strand). Cytogenetic location: 17q25.3.
Variant type: single nucleotide variant.
Coding change: c.1456G>A on transcript NM_001127198.5 (MANE Select); coding-DNA position 1456, G replaced by A.
Protein change: p.Ala486Thr; replaces alanine 486 with threonine.
Molecular consequence: missense variant. On other transcripts: non-coding transcript variant (4).
Genome position (GRCh38, 1-based): chr17:78,121,092, C>T on the plus strand (G>A on the coding strand, the complement: TMC6 is on the minus strand). VCF-style: chr17-78121092-C-T. GRCh37 (hg19) VCF-style: chr17-76117173-C-T.
Other names: c.1456G>A, p.Ala486Thr (NM_001321185.1, NM_001374593.1, NM_001374594.1 and 4 more transcripts); short protein forms A486T.
Identifiers: ClinVar variation 1485721 (VCV001485721.6), dbSNP rs368245596, ClinGen allele CA8795742.
Genomic context (GRCh38, chr17:78,121,092, plus strand): 5'-CCTCCAGTACCGGGGAGTCATGCGGCTCCAGGGCGGCCAGGACACGGCACAGGTAGGGGG[C>T]CCCCAGGTTGAGGAGGCCAACCACCAGGGGCAGGACCAGCAGCACAGCCTCCTGGCCAGC-3'
Protein context (NP_001120670.1, residues 476-496): PLVVGLLNLG[Ala486Thr]PYLCRVLAAL